The following is an entry in ClinVar:

NM_144670.6(A2ML1):c.4325-18A>T

Gene: A2ML1 (alpha-2-macroglobulin like 1; plus strand). Cytogenetic location: 12p13.31.
Variant type: single nucleotide variant.
Coding change: c.4325-18A>T on transcript NM_144670.6 (MANE Select); 18 bases into the intron before coding-DNA position 4325, A replaced by T.
Molecular consequence: intron variant.
Genome position (GRCh38, 1-based): chr12:8,874,953, A>T. VCF-style: chr12-8874953-A-T. GRCh37 (hg19) VCF-style: chr12-9027549-A-T.
Other names: c.2852-18A>T (NM_001282424.3).
Identifiers: ClinVar variation 506375 (VCV000506375.15), dbSNP rs113456917, ClinGen allele CA6436675.

ClinVar aggregate classification (germline): Benign. Review status: criteria provided, multiple submitters, no conflicts (2 of 4 stars). 6 submissions from 6 submitters: Benign (4). 2 of the submissions do not count toward it. Last evaluated 2026-02-01.

Allele frequency attached by ClinVar (database versions not stated): gnomAD exomes 0.00096 and 0.00251; ExAC 0.00290; ESP Exome Variant Server 0.00829; gnomAD 0.00985 and 0.01045; 1000 Genomes Project 30x 0.01031; 1000 Genomes Project 0.01038; TOPMed 0.01091.
gnomAD v4.1: 2,975 of 1,613,854 alleles (0.18%); highest among the groups gnomAD compares: African/African-American, 3.5%; 54 homozygotes.

Submissions (6):

Labcorp Genetics (formerly Invitae), Labcorp
Classification: Benign. Last evaluated: 2026-02-01. Review status: criteria provided, single submitter. Criteria: Invitae Variant Classification Sherloc (09022015). Collection method: clinical testing. Allele origin: germline.

Women's Health and Genetics/Laboratory Corporation of America, LabCorp
Classification: Benign. Last evaluated: 2019-09-23. Review status: criteria provided, single submitter. Criteria: LabCorp Variant Classification Summary - May 2015. Collection method: clinical testing. Allele origin: germline.
Comment: Variant summary: A2ML1 c.4325-18A>T alters a nucleotide located close to a canonical splice site and therefore could affect mRNA splicing, leading to a significantly altered protein sequence. 5/5 computational tools predict no significant impact on normal splicing. However, these predictions have yet to be confirmed by functional studies. The variant allele was found at a frequency of 0.0025 in 249434 control chromosomes, predominantly within the African or African-American subpopulation at a frequency of 0.037, including 13 homozygotes (in the gnomAD database). The observed variant frequency within African or African-American control individuals in the gnomAD database is approximately 9000 fold of the estimated maximal expected allele frequency for a pathogenic variant in A2ML1 causing Noonan Syndrome and Related Conditions phenotype (4e-06), strongly suggesting that the variant is a benign polymorphism. To our knowledge, no occurrence of c.4325-18A>T in individuals affected with Noonan Syndrome and Related Conditions and no experimental evidence demonstrating its impact on protein function have been reported. One clinical diagnostic laboratory has submitted clinical-significance assessments for this variant to ClinVar after 2014, and classified the variant as benign. Based on the evidence outlined above, the variant was classified as benign.

GeneDx
Classification: Benign. Last evaluated: 2017-01-31. Review status: criteria provided, single submitter. Criteria: GeneDx Variant Classification (06012015). Collection method: clinical testing. Allele origin: germline. Affected: yes.
Comment: This variant is considered likely benign or benign based on one or more of the following criteria: it is a conservative change, it occurs at a poorly conserved position in the protein, it is predicted to be benign by multiple in silico algorithms, and/or has population frequency not consistent with disease.

Breakthrough Genomics
Classification: Benign. Review status: criteria provided, single submitter. Criteria: ACMG Guidelines, 2015. Collection method: not provided. Allele origin: germline. Inheritance: Autosomal dominant inheritance. Affected: yes.

Clinical Genetics, Academic Medical Center
Classification: Benign. Review status: no assertion criteria provided. Collection method: clinical testing. Allele origin: germline. Affected: yes. Study: VKGL Data-share Consensus. Not counted in ClinVar's aggregate classification.

Joint Genome Diagnostic Labs from Nijmegen and Maastricht, Radboudumc and MUMC+
Classification: Benign. Review status: no assertion criteria provided. Collection method: clinical testing. Allele origin: germline. Affected: yes. Study: VKGL Data-share Consensus. Not counted in ClinVar's aggregate classification.